The following is an entry in ClinVar:

NM_024675.4(PALB2):c.2214C>T (p.Gly738=)

Gene: PALB2 (partner and localizer of BRCA2; minus strand). Cytogenetic location: 16p12.2.
Variant type: single nucleotide variant.
Coding change: c.2214C>T on transcript NM_024675.4 (MANE Select); coding-DNA position 2214, C replaced by T.
Protein change: p.Gly738=; no amino-acid change (glycine 738 retained).
Molecular consequence: synonymous variant.
Genome position (GRCh38, 1-based): chr16:23,629,940, G>A on the plus strand (C>T on the coding strand, the complement: PALB2 is on the minus strand). VCF-style: chr16-23629940-G-A. GRCh37 (hg19) VCF-style: chr16-23641261-G-A.
Identifiers: ClinVar variation 484240 (VCV000484240.16), dbSNP rs1555460448, ClinGen allele CA494461066.
Genomic context (GRCh38, chr16:23,629,940, plus strand): 5'-GGGTGTGCAGCAAGTTCGTCCAGCAACTTCTGTAGATGCTTTTTCATAGGAGCCTTGAGG[G>A]CCAAAGGCTGGAGTAGTACCTAAGATGGGGAAAGCAGGTGAACACATGTCTGTGGTAGGC-3'
Protein context (NP_078951.2, residues 728-748): FPILGTTPAF[Gly738=]PQGSYEKAST

ClinVar aggregate classification (germline): Benign/Likely benign. Review status: criteria provided, multiple submitters, no conflicts (2 of 4 stars). 3 submissions from 3 submitters: Benign (1); Likely benign (2). Last evaluated 2025-01-15.

Conditions:
Hereditary cancer-predisposing syndrome. Also called: Neoplastic Syndromes, Hereditary; Tumor predisposition; Hereditary Cancer Syndrome; Hereditary neoplastic syndrome. Identifiers: Orphanet 140162, MedGen C0027672, MeSH D009386, MONDO:0015356.
Familial cancer of breast. Also called: BREAST CANCER, FAMILIAL; Hereditary breast cancer; hereditary breast carcinoma. Identifiers: Orphanet 227535, MedGen C0346153, MONDO:0016419, OMIM 114480. Disease mechanism: loss of function.

Submissions (3):

Myriad Genetics, Inc.
Classification: Benign for Familial cancer of breast. Last evaluated: 2025-01-15. Review status: criteria provided, single submitter. Criteria: Myriad Autosomal Dominant, Autosomal Recessive and X-Linked Classification Criteria (2023). Collection method: clinical testing. Allele origin: unknown.
Comment: This variant is considered benign. This variant is a silent/synonymous amino acid change and it is not expected to impact splicing.

Labcorp Genetics (formerly Invitae), Labcorp
Classification: Likely benign for Familial cancer of breast. Last evaluated: 2020-08-20. Review status: criteria provided, single submitter. Criteria: Invitae Variant Classification Sherloc (09022015). Collection method: clinical testing. Allele origin: germline.

Ambry Genetics
Classification: Likely benign for Hereditary cancer-predisposing syndrome. Last evaluated: 2017-07-31. Review status: criteria provided, single submitter. Criteria: Ambry Variant Classification Scheme 2023. Collection method: clinical testing. Allele origin: germline.